The following is an entry in ClinVar:

ClinVar aggregate classification (germline): Uncertain significance. Review status: criteria provided, multiple submitters, no conflicts (2 of 4 stars). 2 submissions from 2 submitters: Uncertain significance (2). Last evaluated 2025-09-24.

Conditions:
Gorlin syndrome. Also called: Nevoid Basal Cell Carcinoma Syndrome; Basal cell nevus syndrome. Identifiers: Orphanet 377, MedGen C0004779, MONDO:0007187.
Hereditary cancer-predisposing syndrome. Also called: Hereditary neoplastic syndrome; Tumor predisposition; Neoplastic Syndromes, Hereditary; Hereditary Cancer Syndrome. Identifiers: Orphanet 140162, MedGen C0027672, MeSH D009386, MONDO:0015356.

gnomAD v4.1: 1 of 1,614,192 alleles (0.000062%); highest among the groups gnomAD compares: Non-Finnish European, 0.000085%; no homozygotes.

Submissions (2):

Labcorp Genetics (formerly Invitae), Labcorp
Classification: Uncertain significance for Gorlin syndrome. Last evaluated: 2025-09-24. Review status: criteria provided, single submitter. Criteria: Invitae Variant Classification Sherloc (09022015). Collection method: clinical testing. Allele origin: germline.
Comment: This sequence change replaces isoleucine, which is neutral and non-polar, with methionine, which is neutral and non-polar, at codon 1158 of the PTCH1 protein (p.Ile1158Met). This variant is not present in population databases (gnomAD no frequency). This variant has not been reported in the literature in individuals affected with PTCH1-related conditions. ClinVar contains an entry for this variant (Variation ID: 2449641). Invitae Evidence Modeling of protein sequence and biophysical properties (such as structural, functional, and spatial information, amino acid conservation, physicochemical variation, residue mobility, and thermodynamic stability) has been performed for this missense variant. However, the output from this modeling did not meet the statistical confidence thresholds required to predict the impact of this variant on PTCH1 protein function. In summary, the available evidence is currently insufficient to determine the role of this variant in disease. Therefore, it has been classified as a Variant of Uncertain Significance.

Ambry Genetics
Classification: Uncertain significance for Hereditary cancer-predisposing syndrome. Last evaluated: 2025-04-18. Review status: criteria provided, single submitter. Criteria: Ambry Variant Classification Scheme 2023. Collection method: clinical testing. Allele origin: germline.
Comment: The p.I1158M variant (also known as c.3474C>G), located in coding exon 21 of the PTCH1 gene, results from a C to G substitution at nucleotide position 3474. The isoleucine at codon 1158 is replaced by methionine, an amino acid with highly similar properties. This amino acid position is conserved. In addition, this alteration is predicted to be deleterious by in silico analysis. Since supporting evidence is limited at this time, the clinical significance of this alteration remains unclear.

NM_000264.5(PTCH1):c.3474C>G (p.Ile1158Met)

Gene: PTCH1 (patched 1; minus strand). Cytogenetic location: 9q22.32.
Variant type: single nucleotide variant.
Coding change: c.3474C>G on transcript NM_000264.5 (MANE Select); coding-DNA position 3474, C replaced by G.
Protein change: p.Ile1158Met; replaces isoleucine 1158 with methionine.
Molecular consequence: missense variant. On other transcripts: non-coding transcript variant (1).
Genome position (GRCh38, 1-based): chr9:95,449,916, G>C on the plus strand (C>G on the coding strand, the complement: PTCH1 is on the minus strand). VCF-style: chr9-95449916-G-C. GRCh37 (hg19) VCF-style: chr9-98212198-G-C.
Other names: c.3276C>G, p.Ile1092Met (NM_001083602.3); c.3471C>G, p.Ile1157Met (NM_001083603.3); c.3021C>G, p.Ile1007Met (NM_001083604.3, NM_001083605.3, NM_001083606.3 and 1 more transcripts); c.3318C>G, p.Ile1106Met (NM_001354918.2); short protein forms I1092M, I1158M, I1106M, I1157M, I1007M.
Identifiers: ClinVar variation 2449641 (VCV002449641.4), dbSNP rs1564009823, ClinGen allele CA374111584.